The following is an entry in ClinVar:

NM_000465.4(BARD1):c.2094T>C (p.Gly698=)

Gene: BARD1 (BRCA1 associated RING domain 1; minus strand). Cytogenetic location: 2q35.
Variant type: single nucleotide variant.
Coding change: c.2094T>C on transcript NM_000465.4 (MANE Select); coding-DNA position 2094, T replaced by C.
Protein change: p.Gly698=; no amino-acid change (glycine 698 retained).
Molecular consequence: synonymous variant. On other transcripts: non-coding transcript variant (3).
Genome position (GRCh38, 1-based): chr2:214,728,916, A>G on the plus strand (T>C on the coding strand, the complement: BARD1 is on the minus strand). VCF-style: chr2-214728916-A-G. GRCh37 (hg19) VCF-style: chr2-215593640-A-G.
Other names: c.2094T>C (NM_000465.2); c.2037T>C, p.Gly679= (NM_001282543.2); c.741T>C, p.Gly247= (NM_001282545.2); c.684T>C, p.Gly228= (NM_001282548.2); c.555T>C, p.Gly185= (NM_001282549.2).
Identifiers: ClinVar variation 1135283 (VCV001135283.12), dbSNP rs1057523211, ClinGen allele CA431393792.
Genomic context (GRCh38, chr2:214,728,916, plus strand): 5'-ATTGATGGTCTGAGTCACGTCACTGTCTGGCTTGGGCTTTCTACTGAGGATCTGGCCCCC[A>G]CCTGCAGTGACGAGCTTAATAAGGTTGTCCTTTGGATGGTGTTTGAAGGTTCCCCACAAA-3'
Protein context (NP_000456.2, residues 688-708): KDNLIKLVTA[Gly698=]GGQILSRKPK

ClinVar aggregate classification (germline): Benign/Likely benign. Review status: criteria provided, multiple submitters, no conflicts (2 of 4 stars). 3 submissions from 3 submitters: Benign (1); Likely benign (2). Last evaluated 2025-08-14.

Conditions:
Hereditary cancer-predisposing syndrome. Also called: Hereditary neoplastic syndrome; Hereditary Cancer Syndrome; Tumor predisposition; Neoplastic Syndromes, Hereditary. Identifiers: Orphanet 140162, MedGen C0027672, MeSH D009386, MONDO:0015356.
Familial cancer of breast. Also called: hereditary breast carcinoma; Hereditary breast cancer; BREAST CANCER, FAMILIAL. Identifiers: Orphanet 227535, MedGen C0346153, MONDO:0016419, OMIM 114480. Disease mechanism: loss of function.

Allele frequency attached by ClinVar (database versions not stated): TOPMed below 0.00001.
gnomAD v4.1: 1 of 1,614,134 alleles (0.000062%); no homozygotes.

Submissions (3):

Ambry Genetics
Classification: Likely benign for Hereditary cancer-predisposing syndrome. Last evaluated: 2025-08-14. Review status: criteria provided, single submitter. Criteria: Ambry Variant Classification Scheme 2023. Collection method: clinical testing. Allele origin: germline.

Myriad Genetics, Inc.
Classification: Benign for Familial cancer of breast. Last evaluated: 2024-07-29. Review status: criteria provided, single submitter. Criteria: Myriad Autosomal Dominant, Autosomal Recessive and X-Linked Classification Criteria (2023). Collection method: clinical testing. Allele origin: unknown.
Comment: This variant is considered benign. This variant is a silent/synonymous amino acid change and it is not expected to impact splicing.

Labcorp Genetics (formerly Invitae), Labcorp
Classification: Likely benign for Familial cancer of breast. Last evaluated: 2024-02-01. Review status: criteria provided, single submitter. Criteria: Invitae Variant Classification Sherloc (09022015). Collection method: clinical testing. Allele origin: germline.